The following is an entry in ClinVar:

NM_015100.4(POGZ):c.3692A>G (p.His1231Arg)

Gene: POGZ (pogo transposable element derived with ZNF domain; minus strand). Cytogenetic location: 1q21.3.
Variant type: single nucleotide variant.
Coding change: c.3692A>G on transcript NM_015100.4 (MANE Select); coding-DNA position 3692, A replaced by G.
Protein change: p.His1231Arg; replaces histidine 1231 with arginine.
Molecular consequence: missense variant.
Genome position (GRCh38, 1-based): chr1:151,405,343, T>C on the plus strand (A>G on the coding strand, the complement: POGZ is on the minus strand). VCF-style: chr1-151405343-T-C. GRCh37 (hg19) VCF-style: chr1-151377819-T-C.
Other names: c.3665A>G, p.His1222Arg (NM_001194937.2); c.3506A>G, p.His1169Arg (NM_001194938.2); c.3713A>G, p.His1238Arg (NM_001410860.1); c.3407A>G, p.His1136Arg (NM_145796.4); c.3533A>G, p.His1178Arg (NM_207171.2); short protein forms H1136R, H1169R, H1178R, H1222R, H1231R, H1238R.
Identifiers: ClinVar variation 3371934 (VCV003371934.3).

ClinVar aggregate classification (germline): Uncertain significance (1 of 4 stars; one submission).

Submission:

GeneDx
Classification: Uncertain significance. Last evaluated: 2026-09-30. Review status: criteria provided, single submitter. Criteria: GeneDx Variant Classification Process June 2021. Collection method: clinical testing. Allele origin: germline.
Comment: Not observed at significant frequency in large population cohorts (gnomAD); In silico analysis suggests that this missense variant does not alter protein structure/function; Has not been previously published as pathogenic or benign to our knowledge